The following is an entry in ClinVar:

ClinVar aggregate classification (germline): Uncertain significance. Review status: criteria provided, multiple submitters, no conflicts (2 of 4 stars). 2 submissions from 2 submitters: Uncertain significance (2). Last evaluated 2025-04-01.

Allele frequency attached by ClinVar (database versions not stated): ExAC 0.00008; TOPMed 0.00008; ESP Exome Variant Server 0.00009; gnomAD 0.00010; gnomAD exomes 0.00016.
gnomAD v4.1: 244 of 1,613,038 alleles (0.015%); highest among the groups gnomAD compares: Non-Finnish European, 0.02%; 1 homozygote.

Submissions (2):

Ambry Genetics
Classification: Uncertain significance. Last evaluated: 2025-04-01. Review status: criteria provided, single submitter. Criteria: Ambry Variant Classification Scheme 2023. Collection method: clinical testing. Allele origin: germline.

Labcorp Genetics (formerly Invitae), Labcorp
Classification: Uncertain significance. Last evaluated: 2023-04-29. Review status: criteria provided, single submitter. Criteria: Invitae Variant Classification Sherloc (09022015). Collection method: clinical testing. Allele origin: germline.
Comment: In summary, the available evidence is currently insufficient to determine the role of this variant in disease. Therefore, it has been classified as a Variant of Uncertain Significance. An algorithm developed to predict the effect of missense changes on protein structure and function (PolyPhen-2) suggests that this variant is likely to be tolerated. ClinVar contains an entry for this variant (Variation ID: 2455914). This variant has not been reported in the literature in individuals affected with FMN1-related conditions. This variant is present in population databases (rs370863163, gnomAD 0.02%). This sequence change replaces phenylalanine, which is neutral and non-polar, with valine, which is neutral and non-polar, at codon 1032 of the FMN1 protein (p.Phe1032Val).

NM_001277313.2(FMN1):c.3763T>G (p.Phe1255Val)

Gene: FMN1 (formin 1; minus strand). Cytogenetic location: 15q13.3.
Variant type: single nucleotide variant.
Coding change: c.3763T>G on transcript NM_001277313.2 (MANE Select); coding-DNA position 3763, T replaced by G.
Protein change: p.Phe1255Val; replaces phenylalanine 1255 with valine.
Molecular consequence: missense variant.
Genome position (GRCh38, 1-based): chr15:32,888,244, A>C on the plus strand (T>G on the coding strand, the complement: FMN1 is on the minus strand). VCF-style: chr15-32888244-A-C. GRCh37 (hg19) VCF-style: chr15-33180445-A-C.
Other names: c.3094T>G, p.Phe1032Val (NM_001103184.4); short protein forms F1032V, F1255V.
Identifiers: ClinVar variation 2455914 (VCV002455914.6), dbSNP rs370863163, ClinGen allele CA7456423.